The following is an entry in ClinVar:

NM_016373.4(WWOX):c.1109G>A (p.Gly370Asp)

Genes: MAF (MAF bZIP transcription factor; minus strand), WWOX (WW domain containing oxidoreductase; plus strand). Cytogenetic location: 16q23.2.
Variant type: single nucleotide variant.
Coding change: c.1109G>A on transcript NM_016373.4 (MANE Select); coding-DNA position 1109, G replaced by A.
Protein change: p.Gly370Asp; replaces glycine 370 with aspartic acid.
Molecular consequence: missense variant.
Genome position (GRCh38, 1-based): chr16:79,211,660, G>A. VCF-style: chr16-79211660-G-A. GRCh37 (hg19) VCF-style: chr16-79245557-G-A.
Other names: c.770G>A, p.Gly257Asp (NM_001291997.2); short protein forms G257D, G370D.
Identifiers: ClinVar variation 1472765 (VCV001472765.6), dbSNP rs780816542, ClinGen allele CA396537057.

ClinVar aggregate classification (germline): Uncertain significance (1 of 4 stars; one submission).

Conditions:
Developmental and epileptic encephalopathy, 1 (DEE1). Also called: Epileptic encephalopathy, early infantile, 1; X-linked infantile spasms; West's syndrome; Tonic spasms with clustering, arrest of psychomotor development and hypsarrhythmia on EEG; X-Linked Infantile Spasm Syndrome; OHTAHARA SYNDROME, X-LINKED. Identifiers: MedGen C3463992, MONDO:0010632, OMIM 308350. Disease mechanism: loss of function.
Autosomal recessive spinocerebellar ataxia 12. Also called: SPINOCEREBELLAR ATAXIA WITH MENTAL RETARDATION AND EPILEPSY. Identifiers: Orphanet 284282, MedGen C3280452, MONDO:0013687, OMIM 614322.

gnomAD v4.1: 1 of 1,614,196 alleles (0.000062%); highest among the groups gnomAD compares: Non-Finnish European, 0.000085%; no homozygotes.

Submission:

Labcorp Genetics (formerly Invitae), Labcorp
Classification: Uncertain significance for Developmental and epileptic encephalopathy, 1; Autosomal recessive spinocerebellar ataxia 12. Last evaluated: 2021-08-27. Review status: criteria provided, single submitter. Criteria: Invitae Variant Classification Sherloc (09022015). Collection method: clinical testing. Allele origin: germline.
Comment: This sequence change replaces glycine with aspartic acid at codon 370 of the WWOX protein (p.Gly370Asp). The glycine residue is weakly conserved and there is a moderate physicochemical difference between glycine and aspartic acid. This variant is not present in population databases (ExAC no frequency). This variant has not been reported in the literature in individuals affected with WWOX-related conditions. Algorithms developed to predict the effect of missense changes on protein structure and function are either unavailable or do not agree on the potential impact of this missense change (SIFT: "Not Available"; PolyPhen-2: "Benign"; Align-GVGD: "Not Available"). In summary, the available evidence is currently insufficient to determine the role of this variant in disease. Therefore, it has been classified as a Variant of Uncertain Significance.